The following is an entry in ClinVar:

NM_030632.3(ASXL3):c.3106C>T (p.Arg1036Ter)

Gene: ASXL3 (ASXL transcriptional regulator 3; plus strand). Cytogenetic location: 18q12.1.
Variant type: single nucleotide variant.
Coding change: c.3106C>T on transcript NM_030632.3 (MANE Select); coding-DNA position 3106, C replaced by T.
Protein change: p.Arg1036Ter; replaces arginine 1036 with a stop codon.
Molecular consequence: nonsense.
Genome position (GRCh38, 1-based): chr18:33,742,954, C>T. VCF-style: chr18-33742954-C-T. GRCh37 (hg19) VCF-style: chr18-31322918-C-T.
Other names: short protein forms R1036*.
Identifiers: ClinVar variation 429913 (VCV000429913.30), dbSNP rs1131691668, ClinGen allele CA402184392.

ClinVar aggregate classification (germline): Pathogenic/Likely pathogenic. Review status: criteria provided, multiple submitters, no conflicts (2 of 4 stars). 14 submissions from 14 submitters: Pathogenic (13); Likely pathogenic (1). Last evaluated 2026-01-28.

Conditions:
ASXL3-related disorder. Also called: ASXL3-related condition. Identifiers: MedGen CN381524.
Bainbridge-Ropers syndrome. Also called: Severe feeding difficulties-failure to thrive-microcephaly due to ASXL3 deficiency syndrome. Identifiers: Orphanet 352577, MedGen C4750837, MONDO:0014205, OMIM 615485.

Submissions (14):

Dasa
Classification: Pathogenic. Last evaluated: 2026-01-28. Review status: criteria provided, single submitter. Criteria: DASA Assertion Criteria. Collection method: clinical testing. Allele origin: germline.
Comment: NM_030632.3(ASXL3):c.3106C>T (p.Arg1036*) introduces a premature termination codon predicted to result in loss of normal protein function. Loss-of-function is an established mechanism of disease for this gene. De novo occurrence has been reported in an individual with related phenotype. This variant has been recurrently observed in individuals with related phenotype (PMID: 29367179; PMID: 33751541; PMID: 38420660). The variant is present at low frequency in population datasets. Based on the available data, this variant is classified as pathogenic.

3billion
Classification: Pathogenic for Bainbridge-Ropers syndrome. Last evaluated: 2025-08-19. Review status: criteria provided, single submitter. Criteria: ACMG Guidelines, 2015. Collection method: clinical testing. Allele origin: germline. Affected: yes.
Comment: The variant is not observed in the gnomAD v4.1.0 dataset. Predicted Consequence/Location: Stop-gained (nonsense): predicted to result in a loss or disruption of normal protein function through protein truncation. The predicted truncated protein may be shortened by more than 10%. The variant has been previously reported as de novo in at least two similarly affected unrelated individuals (PMID: 27901041, 29305346). The variant has been reported at least twice as pathogenic with clinical assertions and evidence for the classification (ClinVar ID: VCV000429913 /PMID: 27901041). Therefore, this variant is classified as Pathogenic according to the recommendation of ACMG/AMP guideline.

Medgenome Labs Ltd
Classification: Pathogenic for Bainbridge-Ropers syndrome. Last evaluated: 2025-01-30. Review status: criteria provided, single submitter. Criteria: ACMG Guidelines, 2015. Collection method: clinical testing. Allele origin: germline. Affected: yes.

Clinical Genomics Laboratory, Washington University in St. Louis
Classification: Pathogenic for Bainbridge-Ropers syndrome. Last evaluated: 2023-11-29. Review status: criteria provided, single submitter. Criteria: ACMG Guidelines, 2015. Collection method: clinical testing. Allele origin: germline. Affected: yes.
Comment: The ASXL3 c.3106C>T (p.Arg1036Ter) variant has been reported in at least five individuals affected with Bainbridge-Ropers syndrome and the variant occurred de novo in at least four of these individuals, including an instance of possible parental germline mosaicism (Koboldt DC et al., PMID: 29305346; Kuechler A et al., PMID: 2790104; Myers KA et al., PMID: 29367179; Schirwani S et al., PMID: 34436830). This variant has been reported in the ClinVar database as a germline pathogenic or likely pathogenic variant by ten submitters. This variant is absent from the general population (gnomAD v.2.1.1), indicating it is not a common variant. This variant causes a premature termination codon; however, because this occurs in the last exon, this is not predicted to lead to nonsense mediated decay but is predicted to delete >40% of the total protein. Based on available information and the ACMG/AMP guidelines for variant interpretation (Richards S et al., PMID: 25741868), this variant is classified as pathogenic.

GeneDx
Classification: Pathogenic. Last evaluated: 2022-08-19. Review status: criteria provided, single submitter. Criteria: GeneDx Variant Classification Process June 2021. Collection method: clinical testing. Allele origin: germline. Affected: yes.
Comment: Nonsense variant in the C-terminus predicted to result in protein truncation, as the last 1213 amino acids are lost, and other loss-of-function variants have been reported downstream in the Human Gene Mutation Database (HGMD); Not observed in large population cohorts (gnomAD); This variant is associated with the following publications: (PMID: 31332282, 34653234, 34436830, 29367179, 27901041, 29305346, 27824329, 25363760, 28191890, 28714951, 31981491, 33751541, 32565546, 28191889, 33004838, 34015165)

Laboratorio de Genetica e Diagnostico Molecular, Hospital Israelita Albert Einstein
Classification: Pathogenic for Bainbridge-Ropers syndrome. Last evaluated: 2021-05-26. Review status: criteria provided, single submitter. Criteria: ACMG Guidelines, 2015. Collection method: clinical testing. Allele origin: germline. Affected: yes.
Comment: ACMG classification criteria: PVS1 strong, PS4 moderate, PM2 moderate, PM6 moderate

Genetics and Prenatal Diagnosis Center, The First Affiliated Hospital of Zhengzhou University
Classification: Pathogenic for Bainbridge-Ropers syndrome. Last evaluated: 2021-05-13. Review status: criteria provided, single submitter. Criteria: ACMG Guidelines, 2015. Collection method: clinical testing. Allele origin: de novo. Affected: yes.

Labcorp Genetics (formerly Invitae), Labcorp
Classification: Pathogenic. Last evaluated: 2020-04-26. Review status: criteria provided, single submitter. Criteria: Invitae Variant Classification Sherloc (09022015). Collection method: clinical testing. Allele origin: germline.
Comment: For these reasons, this variant has been classified as Pathogenic. This variant has been observed in individual(s) with clinical features of Bainbridge-Ropers syndrome (PMID: 27901041, 29305346, 29367179, Invitae). In at least one individual the variant was observed to be de novo. ClinVar contains an entry for this variant (Variation ID: 429913). This variant is not present in population databases (ExAC no frequency). This sequence change results in a premature translational stop signal in the ASXL3 gene (p.Arg1036*). While this is not anticipated to result in nonsense mediated decay, it is expected to disrupt the last 1213 amino acids of the ASXL3 protein.

Blueprint Genetics
Classification: Pathogenic for ASXL3-related disorders. Last evaluated: 2019-09-20. Review status: criteria provided, single submitter. Criteria: ACMG Guidelines, 2015. Collection method: clinical testing. Allele origin: germline. Affected: yes. Observed: 1 variant allele.

Genetics Laboratory - UDIAT Centre Diagnòstic, Hospital Universitari Parc Tauli
Classification: Pathogenic for Bainbridge-Ropers syndrome. Last evaluated: 2019-07-10. Review status: criteria provided, single submitter. Criteria: ACMG Guidelines, 2015. Collection method: clinical testing. Allele origin: de novo. Affected: yes.

Illumina Laboratory Services, Illumina
Classification: Pathogenic for Bainbridge-Ropers syndrome. Last evaluated: 2019-01-17. Review status: criteria provided, single submitter. Criteria: ICSLVariantClassificationCriteria RUGD 01 April 2020. Collection method: clinical testing. Allele origin: unknown.
Comment: The ASXL3 c.3106C>T (p.Arg1036Ter) variant is a stop-gained variant that is predicted to result in a premature termination of the protein. This variant has been previously reported in four individuals with Bainbridge-Ropers syndrome, including a sibling pair (Kuechler et al. 2017; Koboldt et al. 2018; Myers et al. 2018). In two cases, the p.Arg1036Ter variant is described as occurring de novo (Kuechler et al. 2017; Myers et al. 2018) and, in the family with two affected children, recurrence was attributed to presumed germline mosaicism as both parents were unaffected and did not carry the variant (Koboldt et al. 2018). The p.Arg1036Ter variant is not found in the Genome Aggregation Database in a region of good sequence coverage so the variant is presumed to be rare. Based on the predicted truncating nature of the variant, its rarity, and identification in a de novo state, the p.Arg1036Ter variant is classified as pathogenic for Bainbridge-Ropers syndrome.

Cytogénomique, Hospices Civils de Lyon
Classification: Pathogenic for Bainbridge-Ropers syndrome. Last evaluated: 2017-11-07. Review status: criteria provided, single submitter. Criteria: ACMG Guidelines, 2015. Collection method: clinical testing. Allele origin: de novo. Inheritance: Autosomal dominant inheritance. Affected: yes.

Institute for Genomic Medicine, Nationwide Children's Hospital
Classification: Pathogenic for Bainbridge-Ropers syndrome. Last evaluated: 2017-09-29. Review status: criteria provided, single submitter. Criteria: ACMG Guidelines, 2015. Collection method: research. Allele origin: de novo. Inheritance: Autosomal dominant inheritance. Affected: yes. Observed: 1 variant allele, 1 heterozygote. Study: Rare Disease Genomics.
Comment: The p.R1036X variant is predicted to cause loss of function as it introduces a stop codon at amino acid 1036, truncating the protein to 46% of its wild-type length. It is not observed in 122,882 individuals of various ancestries in the gnomAD database, indicating it is not a common benign variant in those populations. It has been previously reported as a likely pathogenic variant, though the patient phenotype was not provided. We interpret p.R1036X as a pathogenic variant.

Clinical Genetics and Genomics, Karolinska University Hospital
Classification: Likely pathogenic. Last evaluated: 2016-06-17. Review status: criteria provided, single submitter. Criteria: ACMG Guidelines, 2015. Collection method: clinical testing. Allele origin: germline. Affected: yes. Observed: 1 variant allele.

Literature cited by the submitters: PubMed 29367179 (cited by 3 submitters); PubMed 33751541 (cited by Dasa); PubMed 38420660 (cited by Dasa); PubMed 29305346 (cited by 4 submitters); PubMed 27901041 (cited by 4 submitters).